The following is an entry in ClinVar:

ClinVar aggregate classification (germline): Conflicting classifications of pathogenicity. Review status: criteria provided, conflicting classifications (1 of 4 stars). 3 submissions from 3 submitters: Uncertain significance (2); Likely benign (1). Last evaluated 2026-04-20.

Conditions:
Hereditary cancer-predisposing syndrome. Also called: Hereditary Cancer Syndrome; Tumor predisposition; Hereditary neoplastic syndrome; Neoplastic Syndromes, Hereditary. Identifiers: Orphanet 140162, MedGen C0027672, MeSH D009386, MONDO:0015356.
Hereditary breast ovarian cancer syndrome. Also called: Hereditary breast and ovarian cancer syndrome; Hereditary breast and/or ovarian cancer syndrome; Hereditary breast and ovarian cancer syndrome (HBOC); Hereditary breast and ovarian cancer; Breast and ovarian cancer; BRCA1- and BRCA2-Associated Hereditary Breast and Ovarian Cancer. Identifiers: Orphanet 145, MedGen C0677776, MeSH D061325, MONDO:0003582. Disease mechanism: loss of function.

Submissions (3):

Ambry Genetics
Classification: Uncertain significance for Hereditary cancer-predisposing syndrome. Last evaluated: 2026-04-20. Review status: criteria provided, single submitter. Criteria: Ambry Variant Classification Scheme 2023. Collection method: clinical testing. Allele origin: germline.

University of Washington Department of Laboratory Medicine, University of Washington
Classification: Likely benign for Hereditary cancer-predisposing syndrome. Last evaluated: 2023-03-23. Review status: criteria provided, single submitter. Criteria: Dines et al. (Genet Med. 2020). Collection method: curation. Allele origin: germline.
Comment: Missense variant in a coldspot region where missense variants are very unlikely to be pathogenic (PMID:31911673).

BRCA2 exon 11 coldspot. Reclassification based on statistical prior probability.

Labcorp Genetics (formerly Invitae), Labcorp
Classification: Uncertain significance for Hereditary breast ovarian cancer syndrome. Last evaluated: 2019-07-04. Review status: criteria provided, single submitter. Criteria: Invitae Variant Classification Sherloc (09022015). Collection method: clinical testing. Allele origin: germline.
Comment: In summary, the available evidence is currently insufficient to determine the role of this variant in disease. Therefore, it has been classified as a Variant of Uncertain Significance. This sequence change replaces threonine with serine at codon 1067 of the BRCA2 protein (p.Thr1067Ser). The threonine residue is weakly conserved and there is a small physicochemical difference between threonine and serine. This variant is not present in population databases (ExAC no frequency). This variant has not been reported in the literature in individuals with BRCA2-related conditions. Algorithms developed to predict the effect of missense changes on protein structure and function output the following: SIFT: "Tolerated"; PolyPhen-2: "Benign"; Align-GVGD: "Class C0". The serine amino acid residue is found in multiple mammalian species, suggesting that this missense change does not adversely affect protein function. These predictions have not been confirmed by published functional studies and their clinical significance is uncertain.

NM_000059.4(BRCA2):c.3200C>G (p.Thr1067Ser)

Gene: BRCA2 (BRCA2 DNA repair associated; plus strand). Cytogenetic location: 13q13.1.
Variant type: single nucleotide variant.
Coding change: c.3200C>G on transcript NM_000059.4 (MANE Select); coding-DNA position 3200, C replaced by G.
Protein change: p.Thr1067Ser; replaces threonine 1067 with serine.
Molecular consequence: missense variant.
Genome position (GRCh38, 1-based): chr13:32,337,555, C>G. VCF-style: chr13-32337555-C-G. GRCh37 (hg19) VCF-style: chr13-32911692-C-G.
Other names: short protein forms T1067S.
Identifiers: ClinVar variation 462290 (VCV000462290.15), dbSNP rs1555283092, ClinGen allele CA387775863.